The following is an entry in ClinVar:

NM_014000.3(VCL):c.590C>T (p.Thr197Ile)

Gene: VCL (vinculin; plus strand). Cytogenetic location: 10q22.2.
Variant type: single nucleotide variant.
Coding change: c.590C>T on transcript NM_014000.3 (MANE Select); coding-DNA position 590, C replaced by T.
Protein change: p.Thr197Ile; replaces threonine 197 with isoleucine.
Molecular consequence: missense variant.
Genome position (GRCh38, 1-based): chr10:74,072,820, C>T. VCF-style: chr10-74072820-C-T. GRCh37 (hg19) VCF-style: chr10-75832578-C-T.
Other names: p.T197I:ACC>ATC; c.590C>T, p.Thr197Ile (NM_003373.4); short protein forms T197I.
Identifiers: ClinVar variation 45617 (VCV000045617.37), dbSNP rs189242810, ClinGen allele CA136799.

ClinVar aggregate classification (germline): Conflicting classifications of pathogenicity. Review status: criteria provided, conflicting classifications (1 of 4 stars). 15 submissions from 15 submitters: Uncertain significance (7); Likely benign (5). 3 of the submissions do not count toward it. Last evaluated 2026-01-10.

Conditions:
VCL-related disorder. Also called: VCL-related condition.
Cardiovascular phenotype. Identifiers: MedGen CN230736.
Cardiomyopathy (CMYO). Also called: Cardiomyopathies. Identifiers: Orphanet 167848, MedGen C0878544, MONDO:0004994, HP:0001638. Inheritance: Various modes of inheritance.
Dilated cardiomyopathy 1W (CMD1W). Identifiers: Orphanet 154, MedGen C1969639, MONDO:0012667, OMIM 611407.

Allele frequency attached by ClinVar (database versions not stated): gnomAD 0.00021 and 0.00019; gnomAD exomes 0.00027; 1000 Genomes Project 0.00020; ExAC 0.00023; 1000 Genomes Project 30x 0.00016; ESP Exome Variant Server 0.00023; TOPMed 0.00025.

Submissions (15):

Labcorp Genetics (formerly Invitae), Labcorp
Classification: Likely benign for Dilated cardiomyopathy 1W. Last evaluated: 2026-01-10. Review status: criteria provided, single submitter. Criteria: Invitae Variant Classification Sherloc (09022015). Collection method: clinical testing. Allele origin: germline.

Women's Health and Genetics/Laboratory Corporation of America, LabCorp
Classification: Likely benign. Last evaluated: 2024-10-28. Review status: criteria provided, single submitter. Criteria: LabCorp Variant Classification Summary - May 2015. Collection method: clinical testing. Allele origin: germline.
Comment: Variant summary: VCL c.590C>T (p.Thr197Ile) results in a non-conservative amino acid change in the encoded protein sequence. Three of five in-silico tools predict a benign effect of the variant on protein function. The variant allele was found at a frequency of 0.00026 in 1614138 control chromosomes in the gnomAD database, including 1 homozygotes. The observed variant frequency is approximately 10 fold of the estimated maximal expected allele frequency for a pathogenic variant in VCL causing Cardiomyopathy phenotype (2.5e-05). c.590C>T has been reported in the literature in individuals affected with Cardiomyopathy without strong evidence for causality (examples: Kuhnisch_2019, Lint_2019) . These report(s) do not provide unequivocal conclusions about association of the variant with Cardiomyopathy. To our knowledge, no experimental evidence demonstrating an impact on protein function has been reported. The following publications have been ascertained in the context of this evaluation (PMID: 31568572, 30847666). ClinVar contains an entry for this variant (Variation ID: 45617). Based on the evidence outlined above, the variant was classified as likely benign.

Blueprint Genetics
Classification: Likely benign. Last evaluated: 2024-04-08. Review status: criteria provided, single submitter. Criteria: ACMG Guidelines, 2015. Collection method: clinical testing. Allele origin: germline.

Ambry Genetics
Classification: Likely benign for Cardiovascular phenotype. Last evaluated: 2022-03-14. Review status: criteria provided, single submitter. Criteria: Ambry Variant Classification Scheme 2023. Collection method: clinical testing. Allele origin: germline.

Center for Advanced Laboratory Medicine, UC San Diego Health, University of California San Diego
Classification: Likely benign for Cardiomyopathy. Last evaluated: 2019-03-15. Review status: criteria provided, single submitter. Criteria: ACMG Guidelines, 2015. Collection method: clinical testing. Allele origin: germline. Affected: yes. Observed: 1 variant allele.

CHEO Genetics Diagnostic Laboratory, Children's Hospital of Eastern Ontario
Classification: Uncertain significance for Cardiomyopathy. Last evaluated: 2017-12-01. Review status: criteria provided, single submitter. Criteria: ACMG Guidelines, 2015. Collection method: clinical testing. Allele origin: germline.

GeneDx
Classification: Uncertain significance. Last evaluated: 2017-06-02. Review status: criteria provided, single submitter. Criteria: GeneDx Variant Classification (06012015). Collection method: clinical testing. Allele origin: germline. Affected: yes.
Comment: A variant of uncertain significance has been identified in the VCL gene. The T197I variant has been previously reported in one individual from a cohort of individuals not selected for cardiomyopathy, arrhythmia, or family history of sudden cardiac death, who underwent exome sequencing (Ng et al., 2013); however, a follow-up cardiac evaluation was not reported. The T197I variant is a non-conservative amino acid substitution, which is likely to impact secondary protein structure as these residues differ in polarity, charge, size and/or other properties. This substitution occurs at a position that is conserved across species and in silico analysis predicts this variant is probably damaging to the protein structure/function. Nevertheless, this variant is observed in 13/11,572 (0.11%) alleles from individuals of Latino ancestry in large population cohorts (Lek et al., 2016; 1000 Genomes Consortium et al., 2015; Exome Variant Server). Additionally, the T197I variant is also classified as a variant of uncertain significance by other clinical laboratories in ClinVar (SCV000062513.4, SCV000203786.3, SCV000318974.1, SCV000280564.1; Landrum et al., 2016).

Molecular Diagnostic Laboratory for Inherited Cardiovascular Disease, Montreal Heart Institute
Classification: Uncertain significance. Last evaluated: 2017-01-27. Review status: criteria provided, single submitter. Criteria: ACMG Guidelines, 2015. Collection method: clinical testing. Allele origin: germline. Affected: yes.

Eurofins Ntd Llc (ga)
Classification: Uncertain significance. Last evaluated: 2014-02-07. Review status: criteria provided, single submitter. Criteria: EGL Classification Definitions 2015. Collection method: clinical testing. Allele origin: germline. Observed: 1 variant allele, 1 heterozygote.

Biesecker Lab/Clinical Genomics Section, National Institutes of Health
Classification: Uncertain significance. Last evaluated: 2013-06-24. Review status: criteria provided, single submitter. Criteria: Ng et al. (Circ Cardiovasc Genet. 2013). Collection method: research. Allele origin: unknown. Observed: 1 variant allele. Study: ClinSeq.
Comment: The study set was not selected for affection status in relation to any cancer. Pathogenicity categories were based on literature curation. See Pubmed ID:23861362 for details.

Medical sequencing

Stanford Center for Inherited Cardiovascular Disease, Stanford University
Classification: Uncertain significance. Last evaluated: 2013-04-22. Review status: criteria provided, single submitter. Criteria: ACMG Guidelines, 2015. Collection method: provider interpretation. Allele origin: germline.

Laboratory for Molecular Medicine, Mass General Brigham Personalized Medicine
Classification: Uncertain significance. Last evaluated: 2010-07-16. Review status: criteria provided, single submitter. Criteria: LMM Criteria. Collection method: clinical testing. Allele origin: germline. Observed: 2 variant alleles.

PreventionGenetics, part of Exact Sciences
Classification: Likely benign for VCL-related condition. Last evaluated: 2022-10-27. Review status: no assertion criteria provided. Collection method: clinical testing. Allele origin: germline. Not counted in ClinVar's aggregate classification.
Comment: This variant is classified as likely benign based on ACMG/AMP sequence variant interpretation guidelines (Richards et al. 2015 PMID: 25741868, with internal and published modifications).

Genome Diagnostics Laboratory, University Medical Center Utrecht
Classification: Likely benign. Review status: no assertion criteria provided. Collection method: clinical testing. Allele origin: germline. Affected: yes. Study: VKGL Data-share Consensus. Not counted in ClinVar's aggregate classification.

Joint Genome Diagnostic Labs from Nijmegen and Maastricht, Radboudumc and MUMC+
Classification: Likely benign. Review status: no assertion criteria provided. Collection method: clinical testing. Allele origin: germline. Affected: yes. Study: VKGL Data-share Consensus. Not counted in ClinVar's aggregate classification.

Literature cited by the submitters: PubMed 30847666 (cited by Women's Health and Genetics/Laboratory Corporation of America, LabCorp and Ambry Genetics); PubMed 31568572 (cited by Women's Health and Genetics/Laboratory Corporation of America, LabCorp); PubMed 23861362 (cited by Ambry Genetics); PubMed 25351510 (cited by Ambry Genetics).